The following is an entry in ClinVar:

NM_005235.3(ERBB4):c.884-8_884-7del

Gene: ERBB4 (erb-b2 receptor tyrosine kinase 4; minus strand). Cytogenetic location: 2q34.
Variant type: Deletion.
Coding change: c.884-8_884-7del on transcript NM_005235.3 (MANE Select); 8 bases into the intron before coding-DNA position 884 through 7 bases into the intron before coding-DNA position 884, 2 bases deleted (TT; older notation c.884-8_884-7delTT).
Molecular consequence: intron variant.
Genome position (GRCh38, 1-based): chr2:211,713,655-211,713,656, AA deleted on the plus strand (TT on the coding strand, the reverse complement: ERBB4 is on the minus strand); deleting any 2 consecutive bases within chr2:211,713,655-211,713,668 gives the same sequence; the c. name uses the placement nearest the transcript's 3' end. VCF-style (leftmost placement, unchanged base first): chr2-211713654-TAA-T. GRCh37 (hg19) VCF-style: chr2-212578379-TAA-T.
Other names: c.884-8_884-7del (NM_001042599.2, NM_001439006.1, NM_001439005.1).
Identifiers: ClinVar variation 774599 (VCV000774599.6), dbSNP rs67894136, ClinGen allele CA2088296.

ClinVar aggregate classification (germline): Benign/Likely benign. Review status: criteria provided, multiple submitters, no conflicts (2 of 4 stars). 3 submissions from 3 submitters: Benign (1); Likely benign (1). 1 of the submissions does not count toward it. Last evaluated 2024-11-26.

Conditions:
ERBB4-related disorder. Also called: ERBB4-related condition.

Submissions (3):

Blueprint Genetics
Classification: Likely benign. Last evaluated: 2024-11-26. Review status: criteria provided, single submitter. Criteria: ACMG Guidelines, 2015. Collection method: clinical testing. Allele origin: germline.

Labcorp Genetics (formerly Invitae), Labcorp
Classification: Benign. Last evaluated: 2017-07-14. Review status: criteria provided, single submitter. Criteria: Invitae Variant Classification Sherloc (09022015). Collection method: clinical testing. Allele origin: germline.

PreventionGenetics, part of Exact Sciences
Classification: Benign for ERBB4-related condition. Last evaluated: 2021-12-08. Review status: no assertion criteria provided. Collection method: clinical testing. Allele origin: germline. Not counted in ClinVar's aggregate classification.
Comment: This variant is classified as benign based on ACMG/AMP sequence variant interpretation guidelines (Richards et al. 2015 PMID: 25741868, with internal and published modifications).